The following is an entry in ClinVar:

ClinVar aggregate classification (germline): Uncertain significance (1 of 4 stars; one submission).

Conditions:
Congenital myasthenic syndrome 8. Also called: MYASTHENIC SYNDROME, CONGENITAL, DUE TO AGRIN DEFICIENCY; Myasthenic syndrome, congenital, 8, with pre- and postsynaptic defects. Identifiers: Orphanet 590, MedGen C3808739, MONDO:0014052, OMIM 615120.

Allele frequency attached by ClinVar (database versions not stated): ExAC 0.00001; gnomAD 0.00001; TOPMed 0.00001; 1000 Genomes Project 30x 0.00016; 1000 Genomes Project 0.00020.
gnomAD v4.1: 6 of 1,606,786 alleles (0.00037%); highest among the groups gnomAD compares: African/African-American, 0.0067%; no homozygotes.

Submission:

Labcorp Genetics (formerly Invitae), Labcorp
Classification: Uncertain significance for Congenital myasthenic syndrome 8. Last evaluated: 2022-08-22. Review status: criteria provided, single submitter. Criteria: Invitae Variant Classification Sherloc (09022015). Collection method: clinical testing. Allele origin: germline.
Comment: This sequence change replaces threonine, which is neutral and polar, with isoleucine, which is neutral and non-polar, at codon 654 of the AGRN protein (p.Thr654Ile). In summary, the available evidence is currently insufficient to determine the role of this variant in disease. Therefore, it has been classified as a Variant of Uncertain Significance. Algorithms developed to predict the effect of missense changes on protein structure and function output the following: SIFT: "Tolerated"; PolyPhen-2: "Probably Damaging"; Align-GVGD: "Class C0". The isoleucine amino acid residue is found in multiple mammalian species, which suggests that this missense change does not adversely affect protein function. This variant has not been reported in the literature in individuals affected with AGRN-related conditions. The frequency data for this variant in the population databases is considered unreliable, as metrics indicate poor data quality at this position in the gnomAD database.

NM_198576.4(AGRN):c.1961C>T (p.Thr654Ile)

Gene: AGRN (agrin; plus strand). Cytogenetic location: 1p36.33.
Variant type: single nucleotide variant.
Coding change: c.1961C>T on transcript NM_198576.4 (MANE Select); coding-DNA position 1961, C replaced by T.
Protein change: p.Thr654Ile; replaces threonine 654 with isoleucine.
Molecular consequence: missense variant.
Genome position (GRCh38, 1-based): chr1:1,043,985, C>T. VCF-style: chr1-1043985-C-T. GRCh37 (hg19) VCF-style: chr1-979365-C-T.
Other names: c.1961C>T, p.Thr654Ile (NM_001305275.2); c.1646C>T, p.Thr549Ile (NM_001364727.2); short protein forms T654I, T549I.
Identifiers: ClinVar variation 2099953 (VCV002099953.4), dbSNP rs184556274, ClinGen allele CA508391.